The following is an entry in ClinVar:

NM_001089.3(ABCA3):c.494G>A (p.Trp165Ter)

Gene: ABCA3 (ATP binding cassette subfamily A member 3; minus strand). Cytogenetic location: 16p13.3.
Variant type: single nucleotide variant.
Coding change: c.494G>A on transcript NM_001089.3 (MANE Select); coding-DNA position 494, G replaced by A.
Protein change: p.Trp165Ter; replaces tryptophan 165 with a stop codon.
Molecular consequence: nonsense.
Genome position (GRCh38, 1-based): chr16:2,323,642, C>T on the plus strand (G>A on the coding strand, the complement: ABCA3 is on the minus strand). VCF-style: chr16-2323642-C-T. GRCh37 (hg19) VCF-style: chr16-2373643-C-T.
Other names: short protein forms W165*.
Identifiers: ClinVar variation 4796623 (VCV004796623.1).
Genomic context (GRCh38, chr16:2,323,642, plus strand): 5'-AAAAGGGAAGTAGTGTGCCAGCCTTCTGTCTCTTTCAGGAAAAAGGAGCCTGTTTGGGTC[C>T]ACATGTAATTTCTCCGTGTGTAACTGAACCGTAGGTGATATTTCACCTGTGGAAACAAAG-3'

ClinVar aggregate classification (germline): Pathogenic (1 of 4 stars; one submission).

Conditions:
Interstitial lung disease due to ABCA3 deficiency. Also called: PULMONARY ALVEOLAR PROTEINOSIS, CONGENITAL, 3. Identifiers: Orphanet 440402, MedGen C1970456, MONDO:0012582, OMIM 610921.

Submission:

Juno Genomics, Hangzhou Juno Genomics, Inc
Classification: Pathogenic for Interstitial lung disease due to ABCA3 deficiency. Review status: criteria provided, single submitter. Criteria: ACMG Guidelines, 2015. Collection method: clinical testing. Allele origin: germline. Affected: yes.
Comment: Absent from controls (or at extremely low frequency if recessive) in Genome Aggregation Database, Exome Sequencing Project, 1000 Genomes Project, or Exome Aggregation Consortium.;Null variant in a gene where loss of function (LOF) is a known mechanism of disease.;For recessive disorders, detected in trans with a pathogenic variant.